The following is an entry in ClinVar:

ClinVar aggregate classification (germline): Uncertain significance (1 of 4 stars; one submission).

Allele frequency attached by ClinVar (database versions not stated): ExAC 0.00001; gnomAD exomes 0.00001 and 0.00002.
gnomAD v4.1: 26 of 1,614,188 alleles (0.0016%); highest among the groups gnomAD compares: Non-Finnish European, 0.0021%; no homozygotes.

Submission:

Labcorp Genetics (formerly Invitae), Labcorp
Classification: Uncertain significance. Last evaluated: 2022-07-01. Review status: criteria provided, single submitter. Criteria: Invitae Variant Classification Sherloc (09022015). Collection method: clinical testing. Allele origin: germline.
Comment: In summary, the available evidence is currently insufficient to determine the role of this variant in disease. Therefore, it has been classified as a Variant of Uncertain Significance. Algorithms developed to predict the effect of sequence changes on RNA splicing suggest that this variant may create or strengthen a splice site. Algorithms developed to predict the effect of missense changes on protein structure and function are either unavailable or do not agree on the potential impact of this missense change (SIFT: "Tolerated"; PolyPhen-2: "Probably Damaging"; Align-GVGD: "Class C0"). ClinVar contains an entry for this variant (Variation ID: 1486128). This variant has not been reported in the literature in individuals affected with ORC1-related conditions. This variant is present in population databases (rs761157629, gnomAD 0.003%). This sequence change replaces arginine, which is basic and polar, with glutamine, which is neutral and polar, at codon 846 of the ORC1 protein (p.Arg846Gln).

NM_004153.4(ORC1):c.2537G>A (p.Arg846Gln)

Gene: ORC1 (origin recognition complex subunit 1; minus strand). Cytogenetic location: 1p32.3.
Variant type: single nucleotide variant.
Coding change: c.2537G>A on transcript NM_004153.4 (MANE Select); coding-DNA position 2537, G replaced by A.
Protein change: p.Arg846Gln; replaces arginine 846 with glutamine.
Molecular consequence: missense variant.
Genome position (GRCh38, 1-based): chr1:52,373,230, C>T on the plus strand (G>A on the coding strand, the complement: ORC1 is on the minus strand). VCF-style: chr1-52373230-C-T. GRCh37 (hg19) VCF-style: chr1-52838902-C-T.
Other names: c.2522G>A, p.Arg841Gln (NM_001190819.2); c.2537G>A, p.Arg846Gln (NM_001190818.2); short protein forms R841Q, R846Q.
Identifiers: ClinVar variation 1486128 (VCV001486128.8), dbSNP rs761157629, ClinGen allele CA852997.